The following is an entry in ClinVar:

ClinVar aggregate classification (germline): Uncertain significance. Review status: criteria provided, multiple submitters, no conflicts (2 of 4 stars). 4 submissions from 3 submitters: Uncertain significance (4). Last evaluated 2025-07-22.

Conditions:
Retinitis pigmentosa 39 (RP39). Identifiers: Orphanet 791, MedGen C3151138, MONDO:0013436, OMIM 613809.
Usher syndrome type 2A. Also called: USHER SYNDROME, TYPE IIA; RETINAL DISEASE IN USHER SYNDROME TYPE IIA, MODIFIER OF. Identifiers: Orphanet 231178, Orphanet 886, MedGen C1848634, MONDO:0010169, OMIM 276901.

Submissions (4):

Labcorp Genetics (formerly Invitae), Labcorp
Classification: Uncertain significance. Last evaluated: 2025-07-22. Review status: criteria provided, single submitter. Criteria: Invitae Variant Classification Sherloc (09022015). Collection method: clinical testing. Allele origin: germline.
Comment: This sequence change falls in intron 19 of the USH2A gene. It does not directly change the encoded amino acid sequence of the USH2A protein. It affects a nucleotide within the consensus splice site. This variant is present in population databases (no rsID available, gnomAD 0.3%). This variant has been observed in individual(s) with retinitis pigmentosa (PMID: 30543658). ClinVar contains an entry for this variant (Variation ID: 1327403). Variants that disrupt the consensus splice site are a relatively common cause of aberrant splicing (PMID: 17576681, 9536098). Algorithms developed to predict the effect of sequence changes on RNA splicing suggest that this variant may disrupt the consensus splice site. In summary, the available evidence is currently insufficient to determine the role of this variant in disease. Therefore, it has been classified as a Variant of Uncertain Significance.

Genome-Nilou Lab
Classification: Uncertain significance for Retinitis pigmentosa 39. Last evaluated: 2023-04-11. Review status: criteria provided, single submitter. Criteria: ACMG Guidelines, 2015. Collection method: clinical testing. Allele origin: germline. Affected: no.

Genome-Nilou Lab
Classification: Uncertain significance for Usher syndrome type 2A. Last evaluated: 2023-04-11. Review status: criteria provided, single submitter. Criteria: ACMG Guidelines, 2015. Collection method: clinical testing. Allele origin: germline. Affected: no.

GeneDx
Classification: Uncertain significance. Last evaluated: 2021-04-30. Review status: criteria provided, single submitter. Criteria: GeneDx Variant Classification Process June 2021. Collection method: clinical testing. Allele origin: germline. Affected: yes.
Comment: Not observed at a significant frequency in large population cohorts (Lek et al., 2016); In silico analysis supports a deleterious effect on splicing; This variant is associated with the following publications: (PMID: 30543658)

Literature cited by the submitters: PubMed 30543658 (cited by Labcorp Genetics (formerly Invitae), Labcorp); PubMed 17576681 (cited by Labcorp Genetics (formerly Invitae), Labcorp); PubMed 9536098 (cited by Labcorp Genetics (formerly Invitae), Labcorp).

NM_206933.4(USH2A):c.4251+3A>G

Genes: USH2A-AS1 (USH2A antisense RNA 1; plus strand), USH2A (usherin; minus strand). Cytogenetic location: 1q41.
Variant type: single nucleotide variant.
Coding change: c.4251+3A>G on transcript NM_206933.4 (MANE Select); 3 bases into the intron after coding-DNA position 4251, A replaced by G.
Molecular consequence: intron variant.
Genome position (GRCh38, 1-based): chr1:216,196,550, T>C on the plus strand (A>G on the coding strand, the complement: USH2A is on the minus strand). VCF-style: chr1-216196550-T-C. GRCh37 (hg19) VCF-style: chr1-216369892-T-C.
Other names: c.4251+3A>G (NM_007123.6).
Identifiers: ClinVar variation 1327403 (VCV001327403.9), dbSNP rs1181655123, ClinGen allele CA528725183.